The following is an entry in ClinVar:

ClinVar aggregate classification (germline): Uncertain significance (1 of 4 stars; one submission).

gnomAD v4.1: 4 of 1,516,690 alleles (0.00026%); highest among the groups gnomAD compares: East Asian, 0.0098%; no homozygotes.

Submission:

Labcorp Genetics (formerly Invitae), Labcorp
Classification: Uncertain significance. Last evaluated: 2025-02-07. Review status: criteria provided, single submitter. Criteria: Invitae Variant Classification Sherloc (09022015). Collection method: clinical testing. Allele origin: germline.
Comment: This sequence change replaces isoleucine, which is neutral and non-polar, with threonine, which is neutral and polar, at codon 135 of the SPPL2A protein (p.Ile135Thr). This variant is present in population databases (rs185544480, gnomAD 0.02%). This variant has not been reported in the literature in individuals affected with SPPL2A-related conditions. An algorithm developed to predict the effect of missense changes on protein structure and function (PolyPhen-2) suggests that this variant is likely to be disruptive. In summary, the available evidence is currently insufficient to determine the role of this variant in disease. Therefore, it has been classified as a Variant of Uncertain Significance.

NM_032802.4(SPPL2A):c.404T>C (p.Ile135Thr)

Gene: SPPL2A (signal peptide peptidase like 2A; minus strand). Cytogenetic location: 15q21.2.
Variant type: single nucleotide variant.
Coding change: c.404T>C on transcript NM_032802.4 (MANE Select); coding-DNA position 404, T replaced by C.
Protein change: p.Ile135Thr; replaces isoleucine 135 with threonine.
Molecular consequence: missense variant.
Genome position (GRCh38, 1-based): chr15:50,748,159, A>G on the plus strand (T>C on the coding strand, the complement: SPPL2A is on the minus strand). VCF-style: chr15-50748159-A-G. GRCh37 (hg19) VCF-style: chr15-51040356-A-G.
Other names: short protein forms I135T.
Identifiers: ClinVar variation 3626139 (VCV003626139.2).